The following is an entry in ClinVar:

ClinVar aggregate classification (germline): Uncertain significance (1 of 4 stars; one submission).

Conditions:
MOGS-congenital disorder of glycosylation. Also called: GLUCOSIDASE I DEFICIENCY; MOGS-CDG; CDG IIb; CDG 2B. Identifiers: Orphanet 79330, MedGen C1853736, MONDO:0011629, OMIM 606056.

Submission:

Labcorp Genetics (formerly Invitae), Labcorp
Classification: Uncertain significance for MOGS-congenital disorder of glycosylation. Last evaluated: 2019-12-06. Review status: criteria provided, single submitter. Criteria: Invitae Variant Classification Sherloc (09022015). Collection method: clinical testing. Allele origin: germline.
Comment: In summary, the available evidence is currently insufficient to determine the role of this variant in disease. Therefore, it has been classified as a Variant of Uncertain Significance. Algorithms developed to predict the effect of missense changes on protein structure and function (SIFT, PolyPhen-2, Align-GVGD) all suggest that this variant is likely to be disruptive, but these predictions have not been confirmed by published functional studies and their clinical significance is uncertain. This variant has not been reported in the literature in individuals with MOGS-related conditions. This variant is not present in population databases (ExAC no frequency). This sequence change replaces tryptophan with leucine at codon 755 of the MOGS protein (p.Trp755Leu). The tryptophan residue is highly conserved and there is a small physicochemical difference between tryptophan and leucine.

NM_006302.3(MOGS):c.2264G>T (p.Trp755Leu)

Gene: MOGS (mannosyl-oligosaccharide glucosidase; minus strand). Cytogenetic location: 2p13.1.
Variant type: single nucleotide variant.
Coding change: c.2264G>T on transcript NM_006302.3 (MANE Select); coding-DNA position 2264, G replaced by T.
Protein change: p.Trp755Leu; replaces tryptophan 755 with leucine.
Molecular consequence: missense variant.
Genome position (GRCh38, 1-based): chr2:74,461,525, C>A on the plus strand (G>T on the coding strand, the complement: MOGS is on the minus strand). VCF-style: chr2-74461525-C-A. GRCh37 (hg19) VCF-style: chr2-74688652-C-A.
Other names: c.1946G>T, p.Trp649Leu (NM_001146158.2); short protein forms W649L, W755L.
Identifiers: ClinVar variation 855159 (VCV000855159.10), dbSNP rs1461055157, ClinGen allele CA347366678.
Genomic context (GRCh38, chr2:74,461,525, plus strand): 5'-GGACCCTCCAGATGCCCATAGTGGTGGAGTGCTCCCAAAGCCAGGTAGTTGACATTGAGC[C>A]ACACAGCACCCCGCCAGTAGGGGGGATCATGCTCTGAATTGCGCTGGCCATAAAAGGAGC-3'
Protein context (NP_006293.2, residues 745-765): HDPPYWRGAV[Trp755Leu]LNVNYLALGA